The following is an entry in ClinVar:

ClinVar aggregate classification (germline): Uncertain significance (1 of 4 stars; one submission).

Submission:

Labcorp Genetics (formerly Invitae), Labcorp
Classification: Uncertain significance. Last evaluated: 2023-12-09. Review status: criteria provided, single submitter. Criteria: Invitae Variant Classification Sherloc (09022015). Collection method: clinical testing. Allele origin: germline.
Comment: This sequence change replaces proline, which is neutral and non-polar, with serine, which is neutral and polar, at codon 205 of the COL2A1 protein (p.Pro205Ser). This variant is not present in population databases (gnomAD no frequency). This variant has not been reported in the literature in individuals affected with COL2A1-related conditions. Advanced modeling of protein sequence and biophysical properties (such as structural, functional, and spatial information, amino acid conservation, physicochemical variation, residue mobility, and thermodynamic stability) performed at Invitae indicates that this missense variant is not expected to disrupt COL2A1 protein function with a negative predictive value of 80%. In summary, the available evidence is currently insufficient to determine the role of this variant in disease. Therefore, it has been classified as a Variant of Uncertain Significance.

NM_001844.5(COL2A1):c.613C>T (p.Pro205Ser)

Gene: COL2A1 (collagen type II alpha 1 chain; minus strand). Cytogenetic location: 12q13.11.
Variant type: single nucleotide variant.
Coding change: c.613C>T on transcript NM_001844.5 (MANE Select); coding-DNA position 613, C replaced by T.
Protein change: p.Pro205Ser; replaces proline 205 with serine.
Molecular consequence: missense variant.
Genome position (GRCh38, 1-based): chr12:47,995,916, G>A on the plus strand (C>T on the coding strand, the complement: COL2A1 is on the minus strand). VCF-style: chr12-47995916-G-A. GRCh37 (hg19) VCF-style: chr12-48389699-G-A.
Other names: c.406C>T, p.Pro136Ser (NM_033150.3); short protein forms P136S, P205S.
Identifiers: ClinVar variation 2770752 (VCV002770752.3), dbSNP rs2540175489, ClinGen allele CA384523975.